The following is an entry in ClinVar:

NM_001358530.2(MOCS1):c.*826A>C

Gene: MOCS1 (molybdenum cofactor synthesis 1; minus strand). Cytogenetic location: 6p21.2.
Variant type: single nucleotide variant.
Coding change: c.*826A>C on transcript NM_001358530.2 (MANE Select); 826 bases downstream of the stop codon, A replaced by C.
Molecular consequence: 3 prime UTR variant. On other transcripts: non-coding transcript variant (1).
Genome position (GRCh38, 1-based): chr6:39,905,531, T>G on the plus strand (A>C on the coding strand, the complement: MOCS1 is on the minus strand). VCF-style: chr6-39905531-T-G. GRCh37 (hg19) VCF-style: chr6-39873307-T-G.
Other names: c.*1594A>C (NM_001075098.4, NM_001358533.2, NM_001358534.2 and 1 more transcripts); c.*826A>C (NM_001358529.2, NM_001358531.2).
Identifiers: ClinVar variation 903820 (VCV000903820.4), dbSNP rs56355907, ClinGen allele CA3795706.

ClinVar aggregate classification (germline): Likely benign (1 of 4 stars; one submission).

Conditions:
Sulfite oxidase deficiency due to molybdenum cofactor deficiency type A. Also called: Molybdenum cofactor deficiency, complementation group A; Molybdenum Cofactor Deficiency A. Identifiers: Orphanet 308386, Orphanet 833, MedGen C1854988, MONDO:0009643, OMIM 252150.

Allele frequency attached by ClinVar (database versions not stated): 1000 Genomes Project 30x 0.00437; 1000 Genomes Project 0.00459; TOPMed 0.00649; ExAC 0.00806; gnomAD 0.00843 and 0.00844; gnomAD exomes 0.00903 and 0.01006.

Submission:

Illumina Laboratory Services, Illumina
Classification: Likely benign for Sulfite oxidase deficiency due to molybdenum cofactor deficiency type A. Last evaluated: 2018-01-13. Review status: criteria provided, single submitter. Criteria: ICSL Variant Classification Criteria 13 December 2019. Collection method: clinical testing. Allele origin: germline.
Comment: This variant was observed in the ICSL laboratory as part of a predisposition screen in an ostensibly healthy population. It had not been previously curated by ICSL or reported in the Human Gene Mutation Database (HGMD: prior to June 1st, 2018), and was therefore a candidate for classification through an automated scoring system. Utilizing variant allele frequency, disease prevalence and penetrance estimates, and inheritance mode, an automated score was calculated to assess if this variant is too frequent to cause the disease. Based on the score and internal cut-off values, a variant classified as likely benign is not then subjected to further curation. The score for this variant resulted in a classification of likely benign for this disease.